The following is an entry in ClinVar:

NM_015202.5(KATNIP):c.2829G>C (p.Lys943Asn)

Gene: KATNIP (katanin interacting protein; plus strand). Cytogenetic location: 16p12.1.
Variant type: single nucleotide variant.
Coding change: c.2829G>C on transcript NM_015202.5 (MANE Select); coding-DNA position 2829, G replaced by C.
Protein change: p.Lys943Asn; replaces lysine 943 with asparagine.
Molecular consequence: missense variant.
Genome position (GRCh38, 1-based): chr16:27,749,789, G>C. VCF-style: chr16-27749789-G-C. GRCh37 (hg19) VCF-style: chr16-27761110-G-C.
Other names: c.2829G>C (NM_015202.2); short protein forms K943N.
Identifiers: ClinVar variation 2071116 (VCV002071116.4), dbSNP rs201294112, ClinGen allele CA7978077.

ClinVar aggregate classification (germline): Uncertain significance. Review status: criteria provided, multiple submitters, no conflicts (2 of 4 stars). 3 submissions from 3 submitters: Uncertain significance (3). Last evaluated 2024-08-14.

Allele frequency attached by ClinVar (database versions not stated): ExAC 0.00006; ESP Exome Variant Server 0.00008; gnomAD 0.00016; gnomAD exomes 0.00022.
gnomAD v4.1: 336 of 1,610,226 alleles (0.021%); highest among the groups gnomAD compares: Non-Finnish European, 0.026%; 1 homozygote.

Submissions (3):

Ambry Genetics
Classification: Uncertain significance. Last evaluated: 2024-08-14. Review status: criteria provided, single submitter. Criteria: Ambry Variant Classification Scheme 2023. Collection method: clinical testing. Allele origin: germline.

Blueprint Genetics
Classification: Uncertain significance. Last evaluated: 2024-05-16. Review status: criteria provided, single submitter. Criteria: ACMG Guidelines, 2015. Collection method: clinical testing. Allele origin: germline.

Labcorp Genetics (formerly Invitae), Labcorp
Classification: Uncertain significance. Last evaluated: 2022-08-11. Review status: criteria provided, single submitter. Criteria: Invitae Variant Classification Sherloc (09022015). Collection method: clinical testing. Allele origin: germline.
Comment: This sequence change replaces lysine, which is basic and polar, with asparagine, which is neutral and polar, at codon 943 of the KIAA0556 protein (p.Lys943Asn). This variant is present in population databases (rs201294112, gnomAD 0.02%). This variant has not been reported in the literature in individuals affected with KIAA0556-related conditions. Algorithms developed to predict the effect of missense changes on protein structure and function are either unavailable or do not agree on the potential impact of this missense change (SIFT: "Tolerated"; PolyPhen-2: "Possibly Damaging"; Align-GVGD: "Class C0"). In summary, the available evidence is currently insufficient to determine the role of this variant in disease. Therefore, it has been classified as a Variant of Uncertain Significance.